The following is an entry in ClinVar:

NM_004341.5(CAD):c.256C>T (p.Leu86=)

Gene: CAD (carbamoyl-phosphate synthetase 2, aspartate transcarbamylase, and dihydroorotase; plus strand). Cytogenetic location: 2p23.3.
Variant type: single nucleotide variant.
Coding change: c.256C>T on transcript NM_004341.5 (MANE Select); coding-DNA position 256, C replaced by T.
Protein change: p.Leu86=; no amino-acid change (leucine 86 retained).
Molecular consequence: synonymous variant.
Genome position (GRCh38, 1-based): chr2:27,221,251, C>T. VCF-style: chr2-27221251-C-T. GRCh37 (hg19) VCF-style: chr2-27444119-C-T.
Other names: c.256C>T, p.Leu86= (NM_001306079.2).
Identifiers: ClinVar variation 752558 (VCV000752558.7), dbSNP rs762152842, ClinGen allele CA425381051.

ClinVar aggregate classification (germline): Likely benign. Review status: criteria provided, multiple submitters, no conflicts (2 of 4 stars). 2 submissions from 2 submitters: Likely benign (2). Last evaluated 2026-09-01.

Allele frequency attached by ClinVar (database versions not stated): gnomAD 0.00001.

Submissions (2):

CeGaT Center for Human Genetics Tuebingen
Classification: Likely benign. Last evaluated: 2026-09-01. Review status: criteria provided, single submitter. Criteria: CeGaT Center For Human Genetics Tuebingen Variant Classification Criteria Version 2. Collection method: clinical testing. Allele origin: germline. Affected: yes. Observed: 1 variant allele.
Comment: CAD: BP4, BP7

Labcorp Genetics (formerly Invitae), Labcorp
Classification: Likely benign. Last evaluated: 2025-06-24. Review status: criteria provided, single submitter. Criteria: Invitae Variant Classification Sherloc (09022015). Collection method: clinical testing. Allele origin: germline.